The following is an entry in ClinVar:

NM_004281.4(BAG3):c.1392_1393delinsGA (p.Leu465Met)

Gene: BAG3 (BAG cochaperone 3; plus strand). Cytogenetic location: 10q26.11.
Variant type: Indel.
Coding change: c.1392_1393delinsGA on transcript NM_004281.4 (MANE Select); coding-DNA positions 1392 to 1393, CC replaced by GA.
Protein change: p.Leu465Met; replaces leucine 465 with methionine.
Molecular consequence: missense variant.
Genome position (GRCh38, 1-based): chr10:119,676,946-119,676,947, CC replaced by GA. VCF-style: chr10-119676946-CC-GA. GRCh37 (hg19) VCF-style: chr10-121436458-CC-GA.
Other names: short protein forms L465M.
Identifiers: ClinVar variation 4784263 (VCV004784263.1).

ClinVar aggregate classification (germline): Uncertain significance (1 of 4 stars; one submission).

Conditions:
Dilated cardiomyopathy 1HH (CMD1HH). Identifiers: Orphanet 154, MedGen C3151293, MONDO:0013479, OMIM 613881.
Myofibrillar myopathy 6. Identifiers: Orphanet 199340, MedGen C2751831, MONDO:0013061, OMIM 612954.

Submission:

Labcorp Genetics (formerly Invitae), Labcorp
Classification: Uncertain significance for Dilated cardiomyopathy 1HH; Myofibrillar myopathy 6. Last evaluated: 2025-02-28. Review status: criteria provided, single submitter. Criteria: Invitae Variant Classification Sherloc (09022015). Collection method: clinical testing. Allele origin: germline.
Comment: This sequence change replaces leucine, which is neutral and non-polar, with methionine, which is neutral and non-polar, at codon 465 of the BAG3 protein (p.Leu465Met). Information on the frequency of this variant in the gnomAD database is not available, as this variant may be reported differently in the database. This variant has not been reported in the literature in individuals affected with BAG3-related conditions. Experimental studies and prediction algorithms are not available or were not evaluated, and the functional significance of this variant is currently unknown. In summary, the available evidence is currently insufficient to determine the role of this variant in disease. Therefore, it has been classified as a Variant of Uncertain Significance.